The following is an entry in ClinVar:

NC_000012.12:g.(?_7689858)_(8096110_?)dup

Genes: C3AR1 (complement C3a receptor 1; minus strand), CLEC4C (C-type lectin domain family 4 member C; minus strand), SLC2A3 (solute carrier family 2 member 3; minus strand), DPPA3 (developmental pluripotency associated 3; plus strand), FOXJ2 (forkhead box J2; plus strand) and 5 more. Cytogenetic location: 12p13.31.
Variant type: Duplication.
Identifiers: ClinVar variation 832123 (VCV000832123.1).

ClinVar aggregate classification (germline): Uncertain significance (1 of 4 stars; one submission).

Conditions:
Developmental and epileptic encephalopathy, 21 (DEE21). Also called: Early infantile epileptic encephalopathy 21. Identifiers: Orphanet 442835, MedGen C4014430, MONDO:0014360, OMIM 615833.

Submission:

Labcorp Genetics (formerly Invitae), Labcorp
Classification: Uncertain significance for Early infantile epileptic encephalopathy 21. Last evaluated: 2019-10-07. Review status: criteria provided, single submitter. Criteria: Invitae Variant Classification Sherloc (09022015). Collection method: clinical testing. Allele origin: germline.
Comment: This variant results in a copy number gain of the genomic region encompassing the full coding sequence of the NECAP1 gene. The boundaries of this event are unknown as they extend beyond the assayed region for this gene and therefore may encompass additional genes. As the precise location of this event is unknown, it may be in tandem or it may be located elsewhere in the genome. This variant has not been reported in the literature in individuals with NECAP1-related conditions. In summary, the available evidence is currently insufficient to determine the role of this variant in disease. Therefore, it has been classified as a Variant of Uncertain Significance.